The following is an entry in ClinVar:

NM_001195129.2(PRSS56):c.205+14C>A

Gene: PRSS56 (serine protease 56; plus strand). Cytogenetic location: 2q37.1.
Variant type: single nucleotide variant.
Coding change: c.205+14C>A on transcript NM_001195129.2 (MANE Select); 14 bases into the intron after coding-DNA position 205, C replaced by A.
Molecular consequence: intron variant.
Genome position (GRCh38, 1-based): chr2:232,521,442, C>A. VCF-style: chr2-232521442-C-A. GRCh37 (hg19) VCF-style: chr2-233386152-C-A.
Other names: c.205+14C>A (NM_001369848.1).
Identifiers: ClinVar variation 680992 (VCV000680992.10), dbSNP rs552107195, ClinGen allele CA2167689.

ClinVar aggregate classification (germline): Benign. Review status: criteria provided, multiple submitters, no conflicts (2 of 4 stars). 3 submissions from 3 submitters: Benign (3). Last evaluated 2026-01-26.

Conditions:
Isolated microphthalmia 6. Also called: MICROPHTHALMIA, POSTERIOR NONSYNDROMIC. Identifiers: Orphanet 2542, MedGen C3150757, MONDO:0013293, OMIM 613517.

Allele frequency attached by ClinVar (database versions not stated): 1000 Genomes Project 30x 0.01921; ExAC 0.02663; gnomAD 0.01064; 1000 Genomes Project 0.01897; TOPMed 0.01160.

Submissions (3):

Labcorp Genetics (formerly Invitae), Labcorp
Classification: Benign for Isolated microphthalmia 6. Last evaluated: 2026-01-26. Review status: criteria provided, single submitter. Criteria: Invitae Variant Classification Sherloc (09022015). Collection method: clinical testing. Allele origin: germline.

GeneDx
Classification: Benign. Last evaluated: 2018-06-19. Review status: criteria provided, single submitter. Criteria: GeneDx Variant Classification (06012015). Collection method: clinical testing. Allele origin: germline. Affected: yes.
Comment: This variant is considered likely benign or benign based on one or more of the following criteria: it is a conservative change, it occurs at a poorly conserved position in the protein, it is predicted to be benign by multiple in silico algorithms, and/or has population frequency not consistent with disease.

Breakthrough Genomics
Classification: Benign. Review status: criteria provided, single submitter. Criteria: ACMG Guidelines, 2015. Collection method: not provided. Allele origin: germline. Inheritance: Autosomal recessive inheritance. Affected: yes.